The following is an entry in ClinVar:

NM_001040108.2(MLH3):c.2766A>C (p.Leu922Phe)

Gene: MLH3 (mutL homolog 3; minus strand). Cytogenetic location: 14q24.3.
Variant type: single nucleotide variant.
Coding change: c.2766A>C on transcript NM_001040108.2 (MANE Select); coding-DNA position 2766, A replaced by C.
Protein change: p.Leu922Phe; replaces leucine 922 with phenylalanine.
Molecular consequence: missense variant.
Genome position (GRCh38, 1-based): chr14:75,046,890, T>G on the plus strand (A>C on the coding strand, the complement: MLH3 is on the minus strand). VCF-style: chr14-75046890-T-G. GRCh37 (hg19) VCF-style: chr14-75513593-T-G.
Other names: c.2766A>C, p.Leu922Phe (NM_014381.3); short protein forms L922F.
Identifiers: ClinVar variation 1795731 (VCV001795731.2), dbSNP rs2503261692, ClinGen allele CA390438624.

ClinVar aggregate classification (germline): Uncertain significance (1 of 4 stars; one submission).

Submission:

Ambry Genetics
Classification: Uncertain significance. Last evaluated: 2024-01-25. Review status: criteria provided, single submitter. Criteria: Ambry Variant Classification Scheme 2023. Collection method: clinical testing. Allele origin: germline.
Comment: The p.L922F variant (also known as c.2766A>C), located in coding exon 1 of the MLH3 gene, results from an A to C substitution at nucleotide position 2766. The leucine at codon 922 is replaced by phenylalanine, an amino acid with highly similar properties. This amino acid position is conserved. In addition, this alteration is predicted to be tolerated by in silico analysis. Since supporting evidence is limited at this time, the clinical significance of this alteration remains unclear.